The following is an entry in ClinVar:

ClinVar aggregate classification (germline): Likely pathogenic. Review status: criteria provided, multiple submitters, no conflicts (2 of 4 stars). 3 submissions from 3 submitters: Likely pathogenic (3). Last evaluated 2025-06-30.

Conditions:
Dilated cardiomyopathy 1G (CMD1G). Identifiers: Orphanet 154, MedGen C1858763, MONDO:0011400, OMIM 604145.
Autosomal recessive limb-girdle muscular dystrophy type 2J (LGMDR10). Also called: Limb-girdle muscular dystrophy, type 2J; MUSCULAR DYSTROPHY, LIMB-GIRDLE, AUTOSOMAL RECESSIVE 10. Identifiers: Orphanet 140922, MedGen C1837342, MONDO:0012127, OMIM 608807.
Cardiovascular phenotype. Identifiers: MedGen CN230736.
Dilated and arrhythmogenic cardiomyopathy.

Submissions (3):

North West Genomic Laboratory Hub, Manchester University NHS Foundation Trust
Classification: Likely pathogenic for Dilated and arrhythmogenic cardiomyopathy. Last evaluated: 2025-06-30. Review status: criteria provided, single submitter. Criteria: ACGS Best Practice Guidelines for Variant Classification in Rare Disease 2024. Collection method: clinical testing. Allele origin: germline. Affected: yes.
Comment: PVS1_Str PM2_Mod

Labcorp Genetics (formerly Invitae), Labcorp
Classification: Likely pathogenic for Dilated cardiomyopathy 1G; Autosomal recessive limb-girdle muscular dystrophy type 2J. Last evaluated: 2024-03-02. Review status: criteria provided, single submitter. Criteria: Invitae Variant Classification Sherloc (09022015). Collection method: clinical testing. Allele origin: germline.
Comment: This sequence change creates a premature translational stop signal (p.Asp30885Serfs*3) in the TTN gene. While this is not anticipated to result in nonsense mediated decay, it is expected to create a truncated TTN protein. This variant is not present in population databases (gnomAD no frequency). This premature translational stop signal has been observed in individual(s) with dilated cardiomyopathy (PMID: 27532257). ClinVar contains an entry for this variant (Variation ID: 578128). This variant is located in the A band of TTN (PMID: 25589632). Truncating variants in this region are significantly overrepresented in patients affected with dilated cardiomyopathy (PMID: 25589632). Truncating variants in this region have also been reported in individuals affected with autosomal recessive centronuclear myopathy (PMID: 23975875). In summary, the currently available evidence indicates that the variant is pathogenic, but additional data are needed to prove that conclusively. Therefore, this variant has been classified as Likely Pathogenic.

Ambry Genetics
Classification: Likely pathogenic for Cardiovascular phenotype. Last evaluated: 2021-12-23. Review status: criteria provided, single submitter. Criteria: Ambry Variant Classification Scheme 2023. Collection method: clinical testing. Allele origin: germline.
Comment: The c.65457_65464delTGATCTAC variant, located in coding exon 166 of the TTN gene, results from a deletion of 8 nucleotides at nucleotide positions 65457 to 65464, causing a translational frameshift with a predicted alternate stop codon (p.D21820Sfs*3). This exon is located in the A-band region of the N2-B isoform of the titin protein and is constitutively expressed in TTN transcripts (percent spliced in or PSI 100%). This variant (referred to as p.Asp30885Serfs*3, c.92652_92659del) has been detected in a cohort referred for dilated cardiomyopathy genetic testing; however, details were limited (Walsh R et al. Genet Med, 2017 02;19:192-203). This variant is considered to be rare based on population cohorts in the Genome Aggregation Database (gnomAD). This alteration is expected to result in loss of function by premature protein truncation or nonsense-mediated mRNA decay. While truncating variants in TTN are present in 1-3% of the general population, truncating variants in the A-band are the most common cause of dilated cardiomyopathy (DCM) (Herman DS et al. N. Engl. J. Med., 2012 Feb;366:619-28; Roberts AM et al. Sci Transl Med, 2015 Jan;7:270ra6). TTN truncating variants encoded in constitutive exons (PSI >90%) have been found to be significantly associated with DCM regardless of their position in titin (Schafer S et al. Nat. Genet., 2017 01;49:46-53). As such, this alteration is classified as likely pathogenic.

Literature cited by the submitters: PubMed 27532257 (cited by Labcorp Genetics (formerly Invitae), Labcorp and Ambry Genetics); PubMed 25589632 (cited by Labcorp Genetics (formerly Invitae), Labcorp); PubMed 23975875 (cited by Labcorp Genetics (formerly Invitae), Labcorp).

NM_001267550.2(TTN):c.92652_92659del (p.Asp30885fs)

Genes: TTN (titin; minus strand), TTN-AS1 (TTN antisense RNA 1; plus strand). Cytogenetic location: 2q31.2.
Variant type: Deletion.
Coding change: c.92652_92659del on transcript NM_001267550.2 (MANE Select); coding-DNA positions 92652 to 92659, 8 bases deleted (TGATCTAC; older notation c.92652_92659delTGATCTAC).
Protein change: p.Asp30885fs; shifts the reading frame from aspartic acid 30885.
Molecular consequence: frameshift variant.
Genome position (GRCh38, 1-based): chr2:178,548,967-178,548,974, GTAGATCA deleted on the plus strand (TGATCTAC on the coding strand, the reverse complement: TTN is on the minus strand); deleting any 8 consecutive bases within chr2:178,548,967-178,548,976 gives the same sequence; the c. name uses the placement nearest the transcript's 3' end. VCF-style (leftmost placement, unchanged base first): chr2-178548966-TGTAGATCA-T. GRCh37 (hg19) VCF-style: chr2-179413693-TGTAGATCA-T.
Other names: c.87729_87736del, p.Asp29244fs (NM_001256850.1); c.65457_65464del, p.Asp21820fs (NM_003319.4); c.84948_84955del, p.Asp28317fs (NM_133378.4); c.65832_65839del, p.Asp21945fs (NM_133432.3); c.66033_66040del, p.Asp22012fs (NM_133437.4); c.92652_92659delTGATCTAC (NM_001267550.2); c.65457_65464delTGATCTAC (NM_003319.4); short protein forms D28317fs, D22012fs, D30885fs, D21820fs, D21945fs, D29244fs.
Identifiers: ClinVar variation 578128 (VCV000578128.12), dbSNP rs1559175090, ClinGen allele CA891843247.